The following is an entry in ClinVar:

ClinVar aggregate classification (germline): Likely benign (1 of 4 stars; one submission).

gnomAD v4.1: 3 of 1,601,990 alleles (0.00019%); highest among the groups gnomAD compares: South Asian, 0.0033%; no homozygotes.

Submission:

Laboratory for Molecular Medicine, Mass General Brigham Personalized Medicine
Classification: Likely benign. Last evaluated: 2013-12-12. Review status: criteria provided, single submitter. Criteria: LMM Criteria. Collection method: clinical testing. Allele origin: germline. Observed: 1 variant allele.
Comment: 895+11G>A in intron 10 of MYH7: This variant is not expected to have clinical si gnificance because it is not located within the splice consensus sequence. 895+ 11G>A in intron 10 of MYH7 (allele frequency = n/a)

NM_000257.4(MYH7):c.895+11G>A

Gene: MYH7 (myosin heavy chain 7; minus strand). Cytogenetic location: 14q11.2.
Variant type: single nucleotide variant.
Coding change: c.895+11G>A on transcript NM_000257.4 (MANE Select); 11 bases into the intron after coding-DNA position 895, G replaced by A.
Molecular consequence: intron variant.
Genome position (GRCh38, 1-based): chr14:23,430,890, C>T on the plus strand (G>A on the coding strand, the complement: MYH7 is on the minus strand). VCF-style: chr14-23430890-C-T. GRCh37 (hg19) VCF-style: chr14-23900099-C-T.
Identifiers: ClinVar variation 179426 (VCV000179426.4), dbSNP rs727504860, ClinGen allele CA016921.